The following is an entry in ClinVar:

NM_000038.6(APC):c.6506A>T (p.Lys2169Ile)

Gene: APC (APC regulator of Wnt signaling pathway; plus strand). Cytogenetic location: 5q22.2.
Variant type: single nucleotide variant.
Coding change: c.6506A>T on transcript NM_000038.6 (MANE Select); coding-DNA position 6506, A replaced by T.
Protein change: p.Lys2169Ile; replaces lysine 2169 with isoleucine.
Molecular consequence: missense variant. On other transcripts: non-coding transcript variant (2).
Genome position (GRCh38, 1-based): chr5:112,842,100, A>T. VCF-style: chr5-112842100-A-T. GRCh37 (hg19) VCF-style: chr5-112177797-A-T.
Other names: c.6506A>T, p.Lys2169Ile (NM_001127510.3, NM_001354895.2, NM_001407450.1); c.6452A>T, p.Lys2151Ile (NM_001127511.3); c.6560A>T, p.Lys2187Ile (NM_001354896.2, NM_001407447.1, NM_001407448.1 and 1 more transcripts); c.6536A>T, p.Lys2179Ile (NM_001354897.2); c.6431A>T, p.Lys2144Ile (NM_001354898.2); c.6422A>T, p.Lys2141Ile (NM_001354899.2); c.6383A>T, p.Lys2128Ile (NM_001354900.2); c.6329A>T, p.Lys2110Ile (NM_001354901.2, NM_001407453.1); and 11 more; short protein forms K2009I, K2043I, K2068I, K2086I, K2151I, K2162I, K1886I, K2197I.
Identifiers: ClinVar variation 2756050 (VCV002756050.3), dbSNP rs2149966427, ClinGen allele CA16035566.

ClinVar aggregate classification (germline): Uncertain significance (1 of 4 stars; one submission).

Conditions:
Familial adenomatous polyposis 1 (FAP1). Also called: POLYPOSIS, ADENOMATOUS INTESTINAL; FAMILIAL ADENOMATOUS POLYPOSIS 1, ATTENUATED. Identifiers: MedGen C2713442, MONDO:0021056, OMIM 175100. Disease mechanism: loss of function.

Submission:

Labcorp Genetics (formerly Invitae), Labcorp
Classification: Uncertain significance for Familial adenomatous polyposis 1. Last evaluated: 2023-08-28. Review status: criteria provided, single submitter. Criteria: Invitae Variant Classification Sherloc (09022015). Collection method: clinical testing. Allele origin: germline.
Comment: This variant has not been reported in the literature in individuals affected with APC-related conditions. This sequence change replaces lysine, which is basic and polar, with isoleucine, which is neutral and non-polar, at codon 2169 of the APC protein (p.Lys2169Ile). This variant is not present in population databases (gnomAD no frequency). Advanced modeling of protein sequence and biophysical properties (such as structural, functional, and spatial information, amino acid conservation, physicochemical variation, residue mobility, and thermodynamic stability) performed at Invitae indicates that this missense variant is not expected to disrupt APC protein function. In summary, the available evidence is currently insufficient to determine the role of this variant in disease. Therefore, it has been classified as a Variant of Uncertain Significance.